The following is an entry in ClinVar:

NM_001042702.5(PJVK):c.226C>T (p.Gln76Ter)

Gene: PJVK (pejvakin; plus strand). Cytogenetic location: 2q31.2.
Variant type: single nucleotide variant.
Coding change: c.226C>T on transcript NM_001042702.5 (MANE Select); coding-DNA position 226, C replaced by T.
Protein change: p.Gln76Ter; replaces glutamine 76 with a stop codon.
Molecular consequence: nonsense. On other transcripts: 5 prime UTR variant (2).
Genome position (GRCh38, 1-based): chr2:178,454,346, C>T. VCF-style: chr2-178454346-C-T. GRCh37 (hg19) VCF-style: chr2-179319073-C-T.
Other names: c.235C>T, p.Gln79Ter (NM_001353775.2); c.331C>T, p.Gln111Ter (NM_001353776.2); c.-252C>T (NM_001353777.1, NM_001353778.2); c.226C>T, p.Gln76Ter (NM_001369912.1); short protein forms Q111*, Q76*, Q79*.
Identifiers: ClinVar variation 3601637 (VCV003601637.1).

ClinVar aggregate classification (germline): Pathogenic (1 of 4 stars; one submission).

Conditions:
Autosomal recessive nonsyndromic hearing loss 59. Identifiers: Orphanet 90636, MedGen C1857744, MONDO:0012445, OMIM 610220.

gnomAD v4.1: 1 of 1,612,398 alleles (0.000062%); no homozygotes.

Submission:

Institute of Rare Diseases, West China Hospital, Sichuan University
Classification: Pathogenic for Autosomal recessive nonsyndromic hearing loss 59. Last evaluated: 2025-01-09. Review status: criteria provided, single submitter. Criteria: ClinGen HL ACMG Specifications v1. Collection method: research. Allele origin: germline. Affected: yes.
Comment: PVS1;PM3;PP1;PM2_Supporting